The following is an entry in ClinVar:

ClinVar aggregate classification (germline): Uncertain significance. Review status: criteria provided, multiple submitters, no conflicts (2 of 4 stars). 4 submissions from 4 submitters: Uncertain significance (4). Last evaluated 2026-03-11.

Conditions:
Van Maldergem syndrome 1 (VMLDS1). Also called: Van Maldergem syndrome 1 (VMLDS1). Identifiers: Orphanet 314679, MedGen C4551950, MONDO:0011070, OMIM 601390.

Allele frequency attached by ClinVar (database versions not stated): gnomAD exomes 0.00001 and 0.00002; TOPMed 0.00001; ExAC 0.00002; gnomAD 0.00002.
gnomAD v4.1: 14 of 1,613,874 alleles (0.00087%); highest among the groups gnomAD compares: Admixed American, 0.01%; no homozygotes.

Submissions (4):

Clinical Genomics Laboratory, Washington University in St. Louis
Classification: Uncertain significance for Van Maldergem syndrome 1. Last evaluated: 2026-03-11. Review status: criteria provided, single submitter. Criteria: ACMG Guidelines, 2015. Collection method: clinical testing. Allele origin: germline.
Comment: A DCHS1 c.586C>T (p.Arg196Cys) variant was identified at a near heterozygous allelic fraction of 48.2%, a frequency which may be consistent with it being of germline origin. The DCHS1 c.586C>T (p.Arg196Cys) variant, to our knowledge, has not been reported in the medical literature but has been reported in the ClinVar database as a germline variant of uncertain significance by two submitters (ClinVar Variation ID: 1302343). This variant is only observed on 14/1,613,874 alleles in the general population (gnomAD v4.1.0), indicating it is not a common variant. Computational predictors are uncertain as to the impact of this variant on DCHS1 function. Due to limited information, and based on ACMG/AMP guidelines for variant interpretation (Richards S et al., PMID: 25741868), the clinical significance of this variant is uncertain at this time.

Labcorp Genetics (formerly Invitae), Labcorp
Classification: Uncertain significance. Last evaluated: 2024-12-23. Review status: criteria provided, single submitter. Criteria: Invitae Variant Classification Sherloc (09022015). Collection method: clinical testing. Allele origin: germline.
Comment: This sequence change replaces arginine, which is basic and polar, with cysteine, which is neutral and slightly polar, at codon 196 of the DCHS1 protein (p.Arg196Cys). This variant is present in population databases (rs764462782, gnomAD 0.006%). This variant has not been reported in the literature in individuals affected with DCHS1-related conditions. ClinVar contains an entry for this variant (Variation ID: 1302343). An algorithm developed to predict the effect of missense changes on protein structure and function (PolyPhen-2) suggests that this variant is likely to be disruptive. In summary, the available evidence is currently insufficient to determine the role of this variant in disease. Therefore, it has been classified as a Variant of Uncertain Significance.

Blueprint Genetics
Classification: Uncertain significance. Last evaluated: 2024-11-27. Review status: criteria provided, single submitter. Criteria: ACMG Guidelines, 2015. Collection method: clinical testing. Allele origin: germline.

GeneDx
Classification: Uncertain significance. Last evaluated: 2020-06-30. Review status: criteria provided, single submitter. Criteria: GeneDx Variant Classification Process June 2021. Collection method: clinical testing. Allele origin: germline. Affected: yes.
Comment: In silico analysis supports that this missense variant has a deleterious effect on protein structure/function; Has not been previously published as pathogenic or benign to our knowledge

NM_003737.4(DCHS1):c.586C>T (p.Arg196Cys)

Gene: DCHS1 (dachsous cadherin-related 1; minus strand). Cytogenetic location: 11p15.4.
Variant type: single nucleotide variant.
Coding change: c.586C>T on transcript NM_003737.4 (MANE Select); coding-DNA position 586, C replaced by T.
Protein change: p.Arg196Cys; replaces arginine 196 with cysteine.
Molecular consequence: missense variant.
Genome position (GRCh38, 1-based): chr11:6,641,028, G>A on the plus strand (C>T on the coding strand, the complement: DCHS1 is on the minus strand). VCF-style: chr11-6641028-G-A. GRCh37 (hg19) VCF-style: chr11-6662259-G-A.
Other names: short protein forms R196C.
Identifiers: ClinVar variation 1302343 (VCV001302343.7), dbSNP rs764462782, ClinGen allele CA5861127.
Genomic context (GRCh38, chr11:6,641,028, plus strand): 5'-CTCGGTCCAGTTCCCCAGTAACTACCAGCTCAGGTACTGGAGTCCCATCTGGACCGGGGC[G>A]TGTCTCCAGCCGGAAGGTCTCTCCAGCCCCATCACCAGATAGCGCATAGCCCTGGGTTCC-3'
Protein context (NP_003728.1, residues 186-206): GAGETFRLET[Arg196Cys]PGPDGTPVPE